The following is an entry in ClinVar:

NM_006907.4(PYCR1):c.857T>C (p.Ile286Thr)

Gene: PYCR1 (pyrroline-5-carboxylate reductase 1; minus strand). Cytogenetic location: 17q25.3.
Variant type: single nucleotide variant.
Coding change: c.857T>C on transcript NM_006907.4 (MANE Select); coding-DNA position 857, T replaced by C.
Protein change: p.Ile286Thr; replaces isoleucine 286 with threonine.
Molecular consequence: missense variant. On other transcripts: 3 prime UTR variant (1).
Genome position (GRCh38, 1-based): chr17:81,933,317, A>G on the plus strand (T>C on the coding strand, the complement: PYCR1 is on the minus strand). VCF-style: chr17-81933317-A-G. GRCh37 (hg19) VCF-style: chr17-79891193-A-G.
Other names: c.764T>C, p.Ile255Thr (NM_001282279.2); c.857T>C, p.Ile286Thr (NM_001282280.2, NM_153824.3); c.938T>C, p.Ile313Thr (NM_001282281.2); c.*39T>C (NM_001330523.2); short protein forms I255T, I286T, I313T.
Identifiers: ClinVar variation 1305214 (VCV001305214.2), dbSNP rs2143854169, ClinGen allele CA401536622.
Genomic context (GRCh38, chr17:81,933,317, plus strand): 5'-GTGTGGCCAGAAGGTGACAGAGCGGTCCCTGCAGGGGAGTCCAGCTTCACCTTGTCCAGG[A>G]TGGTCTTCTTGATGGCGGCTGGTGACACCTGCTCCTGGTCAGCCATGGACTGCAGCTCCC-3'
Protein context (NP_008838.2, residues 276-296): QVSPAAIKKT[Ile286Thr]LDKVKLDSPA

ClinVar aggregate classification (germline): Uncertain significance (1 of 4 stars; one submission).

Submission:

GeneDx
Classification: Uncertain significance. Last evaluated: 2019-04-16. Review status: criteria provided, single submitter. Criteria: GeneDx Variant Classification Process June 2021. Collection method: clinical testing. Allele origin: germline. Affected: yes.
Comment: Has not been previously published as pathogenic or benign to our knowledge; In silico analysis, which includes protein predictors and evolutionary conservation, supports that this variant does not alter protein structure/function; Not observed in large population cohorts (Lek et al., 2016)